The following is an entry in ClinVar:

ClinVar aggregate classification (germline): Pathogenic. Review status: criteria provided, multiple submitters, no conflicts (2 of 4 stars). 2 submissions from 2 submitters: Pathogenic (2). Last evaluated 2016-06-13.

Conditions:
Inborn genetic diseases. Identifiers: MedGen C0950123, MeSH D030342.
Severe myoclonic epilepsy in infancy (DRVT). Also called: Epileptic encephalopathy, early infantile, 6 (Dravet syndrome); SEVERE MYOCLONIC EPILEPSY OF INFANCY; DEVELOPMENTAL AND EPILEPTIC ENCEPHALOPATHY 6A; Severe Myoclonic Epilepsy in Infancy (SMEI); Dravet syndrome. Identifiers: Orphanet 33069, MedGen C0751122, MONDO:0100135, OMIM 607208.

Submissions (2):

Ambry Genetics
Classification: Pathogenic for Inborn genetic diseases. Last evaluated: 2016-06-13. Review status: criteria provided, single submitter. Criteria: Ambry Variant Classification Scheme 2023. Collection method: clinical testing. Allele origin: germline.
Comment: The p.W1205* pathogenic mutation (also known as c.3615G>A), located in coding exon 18 of the SCN1A gene, results from a G to A substitution at nucleotide position 3615. This changes the amino acid from a tryptophan to a stop codon within coding exon 18. Since premature stop codons are typically deleterious in nature, this alteration is interpreted as a disease-causing mutation (ACMG Recommendations for Standards for Interpretation and Reporting of Sequence Variations. Revision 2007. Genet Med. 2008;10:294).

Center for Bioinformatics, Peking University
Classification: Pathogenic for Dravet syndrome. Last evaluated: 2014-12-20. Review status: criteria provided, single submitter. Criteria: Xu et al. (Hum Mutat. 2015). Collection method: research. Allele origin: de novo. Affected: yes. Observed: 1 variant allele. Study: University Clinical Cooperation “985 Project” PKU-2014-1-1.
Comment: Dravet syndrome (DS) probands were recruited from the outpatient and inpatient child neurology units of Peking University First Hospital from 2005 till present. The study was approved by the Ethics Committee of Peking University First Hospital and the Institutional Review Board at Peking University. Participants or their parents provided written informed consent before enrollment. We collected a total of 267 mutations from 255 families with probands diagnosed with DS in China. All probands fulfilled the clinical diagnostic criteria.

Literature cited by the submitters: PubMed 11254445 (cited by Ambry Genetics); PubMed 24168886 (cited by Ambry Genetics).

NM_001165963.4(SCN1A):c.3615G>A (p.Trp1205Ter)

Genes: SCN1A (sodium voltage-gated channel alpha subunit 1; minus strand), LOC102724058 (uncharacterized LOC102724058; plus strand). Cytogenetic location: 2q24.3.
Variant type: single nucleotide variant.
Coding change: c.3615G>A on transcript NM_001165963.4 (MANE Select); coding-DNA position 3615, G replaced by A.
Protein change: p.Trp1205Ter; replaces tryptophan 1205 with a stop codon.
Molecular consequence: nonsense. On other transcripts: non-coding transcript variant (1).
Genome position (GRCh38, 1-based): chr2:166,013,834, C>T on the plus strand (G>A on the coding strand, the complement: SCN1A is on the minus strand). VCF-style: chr2-166013834-C-T. GRCh37 (hg19) VCF-style: chr2-166870344-C-T.
Other names: c.3531G>A, p.Trp1177Ter (NM_001165964.3, NM_001353957.2, NM_001353958.2); c.3615G>A, p.Trp1205Ter (NM_001202435.3, NM_001353948.2); c.3582G>A, p.Trp1194Ter (NM_001353949.2, NM_001353950.2, NM_001353951.2 and 2 more transcripts); c.3579G>A, p.Trp1193Ter (NM_001353954.2, NM_001353955.2); c.3528G>A, p.Trp1176Ter (NM_001353960.2); c.1173G>A, p.Trp391Ter (NM_001353961.2); short protein forms W1194*, W1205*, W1177*, W1176*, W1193*, W391*.
Identifiers: ClinVar variation 189873 (VCV000189873.7), dbSNP rs794726720, ClinGen allele CA303170.